The following is an entry in ClinVar:

NM_001024630.4(RUNX2):c.238G>T (p.Ala80Ser)

Genes: RUNX2 (RUNX family transcription factor 2; plus strand), LOC109611589 (runt related transcription factor 2 polyalanine expansion region; plus strand). Cytogenetic location: 6p21.1.
Variant type: single nucleotide variant.
Coding change: c.238G>T on transcript NM_001024630.4 (MANE Select); coding-DNA position 238, G replaced by T.
Protein change: p.Ala80Ser; replaces alanine 80 with serine.
Molecular consequence: missense variant.
Genome position (GRCh38, 1-based): chr6:45,422,772, G>T. VCF-style: chr6-45422772-G-T. GRCh37 (hg19) VCF-style: chr6-45390509-G-T.
Other names: c.238G>T, p.Ala80Ser (NM_001015051.4); c.196G>T, p.Ala66Ser (NM_001278478.2, NM_001369405.1, NM_004348.3); short protein forms A66S, A80S.
Identifiers: ClinVar variation 2430470 (VCV002430470.1), dbSNP rs1798251422, ClinGen allele CA363958019.

ClinVar aggregate classification (germline): Uncertain significance (1 of 4 stars; one submission).

Submission:

GeneDx
Classification: Uncertain significance. Last evaluated: 2022-08-18. Review status: criteria provided, single submitter. Criteria: GeneDx Variant Classification Process June 2021. Collection method: clinical testing. Allele origin: germline. Affected: yes.
Comment: Not observed at significant frequency in large population cohorts (gnomAD); In silico analysis supports that this missense variant does not alter protein structure/function; Has not been previously published as pathogenic or benign to our knowledge